The following is an entry in ClinVar:

NM_020975.6(RET):c.1341del (p.Asn448fs)

Gene: RET (ret proto-oncogene; plus strand). Cytogenetic location: 10q11.21.
Variant type: Deletion.
Coding change: c.1341del on transcript NM_020975.6 (MANE Select); coding-DNA position 1341, one base deleted (C; older notation c.1341delC).
Protein change: p.Asn448fs; shifts the reading frame from asparagine 448.
Molecular consequence: frameshift variant. On other transcripts: intron variant (15).
Genome position (GRCh38, 1-based): chr10:43,111,284, C deleted; the last of 2 consecutive C bases (chr10:43,111,283-43,111,284); deleting either gives the same sequence. VCF-style (leftmost placement, unchanged base first): chr10-43111282-GC-G. GRCh37 (hg19) VCF-style: chr10-43606730-GC-G.
Other names: c.579del, p.Asn194fs (NM_001355216.2); c.1341del, p.Asn448fs (NM_001406743.1, NM_001406744.1, NM_001406759.1 and 4 more transcripts); c.1212del, p.Asn405fs (NM_001406761.1, NM_001406762.1, NM_001406764.1 and 1 more transcripts); c.338-815del (NM_001406788.1, NM_001406789.1, NM_001406791.1 and 1 more transcripts); c.74-815del (NM_001406794.1, NM_001406792.1, NM_001406793.1); c.1053del, p.Asn352fs (NM_001406766.1, NM_001406767.1, NM_001406770.1); c.945del, p.Asn316fs (NM_001406769.1, NM_001406772.1); c.903del, p.Asn302fs (NM_001406771.1, NM_001406773.1); and 5 more; short protein forms N302fs, N273fs, N352fs, N194fs, N316fs, N448fs, N118fs, N206fs.
Identifiers: ClinVar variation 3661947 (VCV003661947.2).

ClinVar aggregate classification (germline): Pathogenic (1 of 4 stars; one submission).

Conditions:
Multiple endocrine neoplasia, type 2 (MEN2). Identifiers: Orphanet 653, MedGen C4048306, MONDO:0019003. Disease mechanism: gain of function.

Submission:

Labcorp Genetics (formerly Invitae), Labcorp
Classification: Pathogenic for Multiple endocrine neoplasia, type 2. Last evaluated: 2024-08-11. Review status: criteria provided, single submitter. Criteria: Invitae Variant Classification Sherloc (09022015). Collection method: clinical testing. Allele origin: germline.
Comment: This sequence change creates a premature translational stop signal (p.Asn448Thrfs*5) in the RET gene. It is expected to result in an absent or disrupted protein product. Loss-of-function variants in RET are known to be pathogenic (PMID: 22174939, 22648184). This variant is not present in population databases (gnomAD no frequency). This variant has not been reported in the literature in individuals affected with RET-related conditions. For these reasons, this variant has been classified as Pathogenic.

Literature cited by the submitters: PubMed 22174939; PubMed 22648184.